The following is an entry in ClinVar:

NM_022489.4(INF2):c.278C>T (p.Ser93Phe)

Gene: INF2 (inverted formin 2; plus strand). Cytogenetic location: 14q32.33.
Variant type: single nucleotide variant.
Coding change: c.278C>T on transcript NM_022489.4 (MANE Select); coding-DNA position 278, C replaced by T.
Protein change: p.Ser93Phe; replaces serine 93 with phenylalanine.
Molecular consequence: missense variant. On other transcripts: non-coding transcript variant (1).
Genome position (GRCh38, 1-based): chr14:104,701,643, C>T. VCF-style: chr14-104701643-C-T. GRCh37 (hg19) VCF-style: chr14-105167980-C-T.
Other names: c.278C>T, p.Ser93Phe (NM_001426867.1, NM_001031714.4, NM_001426862.1 and 6 more transcripts); short protein forms S93F.
Identifiers: ClinVar variation 3749087 (VCV003749087.2).
Genomic context (GRCh38, chr14:104,701,643, plus strand): 5'-GCCTGGACCTGCTGCTGGAGGCGCTGGCGCGGCTGTCGGGCCGCGGCGTTGCACGTATCT[C>T]CGACGCCCTGCTGCAGCTCACCTGCGTCAGCTGCGTGCGCGCCGTCATGAACTCGCGGCA-3'
Protein context (NP_071934.3, residues 83-103): RLSGRGVARI[Ser93Phe]DALLQLTCVS

ClinVar aggregate classification (germline): Uncertain significance (1 of 4 stars; one submission).

Conditions:
Focal segmental glomerulosclerosis 5 (FSGS5). Identifiers: Orphanet 656, MedGen C2750475, MONDO:0013191, OMIM 613237.
Charcot-Marie-Tooth disease dominant intermediate E. Also called: CHARCOT-MARIE-TOOTH NEUROPATHY WITH FOCAL SEGMENTAL GLOMERULONEPHRITIS. Identifiers: Orphanet 93114, MedGen C4302667, MONDO:0013758, OMIM 614455.

gnomAD v4.1: 2 of 1,598,366 alleles (0.00013%); no homozygotes.

Submission:

Labcorp Genetics (formerly Invitae), Labcorp
Classification: Uncertain significance for Charcot-Marie-Tooth disease dominant intermediate E; Focal segmental glomerulosclerosis 5. Last evaluated: 2024-09-23. Review status: criteria provided, single submitter. Criteria: Invitae Variant Classification Sherloc (09022015). Collection method: clinical testing. Allele origin: germline.
Comment: This sequence change replaces serine, which is neutral and polar, with phenylalanine, which is neutral and non-polar, at codon 93 of the INF2 protein (p.Ser93Phe). This variant is not present in population databases (gnomAD no frequency). This variant has not been reported in the literature in individuals affected with INF2-related conditions. Invitae Evidence Modeling of protein sequence and biophysical properties (such as structural, functional, and spatial information, amino acid conservation, physicochemical variation, residue mobility, and thermodynamic stability) has been performed for this missense variant. However, the output from this modeling did not meet the statistical confidence thresholds required to predict the impact of this variant on INF2 protein function. In summary, the available evidence is currently insufficient to determine the role of this variant in disease. Therefore, it has been classified as a Variant of Uncertain Significance.